The following is an entry in ClinVar:

ClinVar aggregate classification (germline): Conflicting classifications of pathogenicity. Review status: criteria provided, conflicting classifications (1 of 4 stars). 3 submissions from 3 submitters: Likely pathogenic (1); Uncertain significance (2). Last evaluated 2025-09-24.

Conditions:
Mitochondrial complex I deficiency, nuclear type 5. Also called: Mitochondrial complex 1 deficiency, nuclear type 5. Identifiers: MedGen C4748754, MONDO:0032610, OMIM 618226.
Mitochondrial complex I deficiency. Also called: NADH:Q(1) OXIDOREDUCTASE DEFICIENCY. Identifiers: Orphanet 2609, MedGen C1838979, MeSH C537475, MONDO:0100133.

Allele frequency attached by ClinVar (database versions not stated): gnomAD exomes below 0.00001; ExAC 0.00001; gnomAD 0.00001.
gnomAD v4.1: 2 of 1,610,144 alleles (0.00012%); highest among the groups gnomAD compares: East Asian, 0.0045%; no homozygotes.

Submissions (3):

Genesolutions, Medical Genetics Institutes, Ho Chi Minh City, Vietnam
Classification: Likely pathogenic for Mitochondrial complex I deficiency, nuclear type 5. Last evaluated: 2025-09-24. Review status: criteria provided, single submitter. Criteria: ACMG Guidelines, 2015. Collection method: clinical testing. Allele origin: germline. Affected: yes.

Baylor Genetics
Classification: Uncertain significance for Mitochondrial complex I deficiency, nuclear type 1. Last evaluated: 2017-09-01. Review status: criteria provided, single submitter. Criteria: ACMG Guidelines, 2015. Collection method: clinical testing. Allele origin: maternal. Inheritance: Autosomal recessive inheritance. Affected: yes.

Juno Genomics, Hangzhou Juno Genomics, Inc
Classification: Uncertain significance for Mitochondrial complex I deficiency, nuclear type 5. Review status: criteria provided, single submitter. Criteria: ACMG Guidelines, 2015. Collection method: clinical testing. Allele origin: germline.
Comment: Absent from controls (or at extremely low frequency if recessive) in Genome Aggregation Database.;Multiple lines of computational evidence support a deleterious effect on the gene or gene product.

Literature cited by the submitters: PubMed 25326635 (cited by Baylor Genetics).

NM_005006.7(NDUFS1):c.1249A>G (p.Arg417Gly)

Gene: NDUFS1 (NADH:ubiquinone oxidoreductase core subunit S1; minus strand). Cytogenetic location: 2q33.3.
Variant type: single nucleotide variant.
Coding change: c.1249A>G on transcript NM_005006.7 (MANE Select); coding-DNA position 1249, A replaced by G.
Protein change: p.Arg417Gly; replaces arginine 417 with glycine.
Molecular consequence: missense variant.
Genome position (GRCh38, 1-based): chr2:206,141,954, T>C on the plus strand (A>G on the coding strand, the complement: NDUFS1 is on the minus strand). VCF-style: chr2-206141954-T-C. GRCh37 (hg19) VCF-style: chr2-207006678-T-C.
Other names: c.1141A>G, p.Arg381Gly (NM_001199981.2); c.916A>G, p.Arg306Gly (NM_001199982.2); c.1078A>G, p.Arg360Gly (NM_001199983.2); c.1291A>G, p.Arg431Gly (NM_001199984.2); short protein forms R417G, R381G, R306G, R360G, R431G.
Identifiers: ClinVar variation 561062 (VCV000561062.6), dbSNP rs1127567, ClinGen allele CA2070519.